The following is an entry in ClinVar:

ClinVar aggregate classification (germline): Uncertain significance (1 of 4 stars; one submission).

Allele frequency attached by ClinVar (database versions not stated): gnomAD exomes below 0.00001; gnomAD 0.00001; TOPMed 0.00001.
gnomAD v4.1: 4 of 1,613,900 alleles (0.00025%); highest among the groups gnomAD compares: African/African-American, 0.0053%; no homozygotes.

Submission:

Labcorp Genetics (formerly Invitae), Labcorp
Classification: Uncertain significance. Last evaluated: 2021-04-18. Review status: criteria provided, single submitter. Criteria: Invitae Variant Classification Sherloc (09022015). Collection method: clinical testing. Allele origin: germline.
Comment: In summary, the available evidence is currently insufficient to determine the role of this variant in disease. Therefore, it has been classified as a Variant of Uncertain Significance. Algorithms developed to predict the effect of missense changes on protein structure and function (SIFT, PolyPhen-2, Align-GVGD) all suggest that this variant is likely to be disruptive, but these predictions have not been confirmed by published functional studies and their clinical significance is uncertain. This variant has not been reported in the literature in individuals with PDE6A-related conditions. This variant is not present in population databases (ExAC no frequency). This sequence change replaces glycine with cysteine at codon 552 of the PDE6A protein (p.Gly552Cys). The glycine residue is highly conserved and there is a large physicochemical difference between glycine and cysteine.

NM_000440.3(PDE6A):c.1654G>T (p.Gly552Cys)

Gene: PDE6A (phosphodiesterase 6A; minus strand). Cytogenetic location: 5q32.
Variant type: single nucleotide variant.
Coding change: c.1654G>T on transcript NM_000440.3 (MANE Select); coding-DNA position 1654, G replaced by T.
Protein change: p.Gly552Cys; replaces glycine 552 with cysteine.
Molecular consequence: missense variant.
Genome position (GRCh38, 1-based): chr5:149,895,257, C>A on the plus strand (G>T on the coding strand, the complement: PDE6A is on the minus strand). VCF-style: chr5-149895257-C-A. GRCh37 (hg19) VCF-style: chr5-149274820-C-A.
Other names: short protein forms G552C.
Identifiers: ClinVar variation 1346653 (VCV001346653.7), dbSNP rs1365595687, ClinGen allele CA361695189.